The following is an entry in ClinVar:

ClinVar aggregate classification (germline): Uncertain significance (1 of 4 stars; one submission).

Conditions:
Inborn genetic diseases. Identifiers: MedGen C0950123, MeSH D030342.

Submission:

Ambry Genetics
Classification: Uncertain significance for Inborn genetic diseases. Last evaluated: 2025-05-15. Review status: criteria provided, single submitter. Criteria: Ambry Variant Classification Scheme 2023. Collection method: clinical testing. Allele origin: germline.
Comment: The p.T368P variant (also known as c.1102A>C), located in coding exon 9 of the BUB1B gene, results from an A to C substitution at nucleotide position 1102. The threonine at codon 368 is replaced by proline, an amino acid with highly similar properties. This amino acid position is conserved. In addition, this alteration is predicted to be tolerated by in silico analysis. Based on the available evidence, the clinical significance of this variant remains unclear.

NM_001211.6(BUB1B):c.1102A>C (p.Thr368Pro)

Gene: BUB1B (BUB1 mitotic checkpoint serine/threonine kinase B; plus strand). Cytogenetic location: 15q15.1.
Variant type: single nucleotide variant.
Coding change: c.1102A>C on transcript NM_001211.6 (MANE Select); coding-DNA position 1102, A replaced by C.
Protein change: p.Thr368Pro; replaces threonine 368 with proline.
Molecular consequence: missense variant.
Genome position (GRCh38, 1-based): chr15:40,196,588, A>C. VCF-style: chr15-40196588-A-C. GRCh37 (hg19) VCF-style: chr15-40488789-A-C.
Other names: short protein forms T368P.
Identifiers: ClinVar variation 3993722 (VCV003993722.1).
Genomic context (GRCh38, chr15:40,196,588, plus strand): 5'-TAATTTTGCTTCTTTAGGACACCATGTAAAATTGAACCTAGTATAAACCACATCCTAAGC[A>C]CCAGAAAGCCTGGAAAGGAAGAAGGAGATCCTCTACAAAGGGTTCAGAGCCATCAGCAAG-3'
Protein context (NP_001202.5, residues 358-378): IEPSINHILS[Thr368Pro]RKPGKEEGDP